The following is an entry in ClinVar:

NM_001009944.3(PKD1):c.11934C>T (p.Asp3978=)

Gene: PKD1 (polycystin 1, transient receptor potential channel interacting; minus strand). Cytogenetic location: 16p13.3.
Variant type: single nucleotide variant.
Coding change: c.11934C>T on transcript NM_001009944.3 (MANE Select); coding-DNA position 11934, C replaced by T.
Protein change: p.Asp3978=; no amino-acid change (aspartic acid 3978 retained).
Molecular consequence: synonymous variant.
Genome position (GRCh38, 1-based): chr16:2,090,953, G>A on the plus strand (C>T on the coding strand, the complement: PKD1 is on the minus strand). VCF-style: chr16-2090953-G-A. GRCh37 (hg19) VCF-style: chr16-2140954-G-A.
Other names: p.Asp3978=; c.11931C>T, p.Asp3977= (NM_000296.4).
Identifiers: ClinVar variation 256910 (VCV000256910.16), dbSNP rs202207855, ClinGen allele CA7828937.

ClinVar aggregate classification (germline): Benign/Likely benign. Review status: criteria provided, multiple submitters, no conflicts (2 of 4 stars). 8 submissions from 8 submitters: Benign (6); Likely benign (2). Last evaluated 2024-10-22.

Conditions:
Polycystic kidney disease, adult type (PKD1). Also called: Polycystic Kidney Disease 1, Autosomal Dominant; Polycystic kidney disease 1; Polycystic kidney disease 1, severe; POLYCYSTIC KIDNEY DISEASE 1 WITH OR WITHOUT POLYCYSTIC LIVER DISEASE; Polycystic Kidney, Autosomal Dominant; POLYCYSTIC KIDNEY DISEASE, ADULT, TYPE I. Identifiers: MedGen C3149841, MONDO:0008263, OMIM 173900.

Allele frequency attached by ClinVar (database versions not stated): gnomAD exomes 0.00090; ExAC 0.00169; 1000 Genomes Project 30x 0.00312; 1000 Genomes Project 0.00319; ESP Exome Variant Server 0.00437; TOPMed 0.00475; gnomAD 0.00479.
gnomAD v4.1: 1,241 of 1,561,184 alleles (0.079%); highest among the groups gnomAD compares: African/African-American, 1.5%; 17 homozygotes.

Submissions (8):

Blueprint Genetics
Classification: Likely benign. Last evaluated: 2024-10-22. Review status: criteria provided, single submitter. Criteria: ACMG Guidelines, 2015. Collection method: clinical testing. Allele origin: germline.

Mayo Clinic Laboratories, Mayo Clinic
Classification: Benign. Last evaluated: 2023-08-23. Review status: criteria provided, single submitter. Criteria: ACMG Guidelines, 2015. Collection method: clinical testing. Allele origin: germline. Observed: 6 variant alleles.
Comment: BS1, BS2, BP4, BP7

Department of Pathology and Laboratory Medicine, Sinai Health System
Classification: Benign for Polycystic kidney disease, adult type. Last evaluated: 2022-04-29. Review status: criteria provided, single submitter. Criteria: ACMG Guidelines, 2015. Collection method: clinical testing. Allele origin: germline. Affected: yes.

Fulgent Genetics
Classification: Likely benign for Polycystic kidney disease, adult type. Last evaluated: 2021-10-27. Review status: criteria provided, single submitter. Criteria: ACMG Guidelines, 2015. Collection method: clinical testing. Allele origin: unknown.

GeneDx
Classification: Benign. Last evaluated: 2021-03-10. Review status: criteria provided, single submitter. Criteria: GeneDx Variant Classification Process June 2021. Collection method: clinical testing. Allele origin: germline. Affected: yes.

ARUP Laboratories, Molecular Genetics and Genomics, ARUP Laboratories
Classification: Benign for Polycystic kidney disease, adult type. Last evaluated: 2019-01-25. Review status: criteria provided, single submitter. Criteria: ARUP Molecular Germline Variant Investigation Process. Collection method: clinical testing. Allele origin: germline.

Breakthrough Genomics
Classification: Benign. Review status: criteria provided, single submitter. Criteria: ACMG Guidelines, 2015. Collection method: not provided. Allele origin: germline. Inheritance: Autosomal dominant inheritance. Affected: yes.

PreventionGenetics, part of Exact Sciences
Classification: Benign. Review status: criteria provided, single submitter. Criteria: ACMG Guidelines, 2015. Collection method: clinical testing. Allele origin: germline.